The following is an entry in ClinVar:

ClinVar aggregate classification (germline): Conflicting classifications of pathogenicity. Review status: criteria provided, conflicting classifications (1 of 4 stars). 4 submissions from 4 submitters: Pathogenic (1); Likely pathogenic (2); Uncertain significance (1). Last evaluated 2024-11-11.

Conditions:
Usher syndrome type 1D (USH1D). Also called: USHER SYNDROME, TYPE ID. Identifiers: Orphanet 231169, Orphanet 886, MedGen C1832845, MONDO:0010984, OMIM 601067.
Autosomal recessive nonsyndromic hearing loss 23. Identifiers: Orphanet 90636, MedGen C1836027, MONDO:0012293, OMIM 609533.
Usher syndrome type 1F (USH1F). Also called: USHER SYNDROME, TYPE IF. Identifiers: Orphanet 231169, Orphanet 886, MedGen C1865885, MONDO:0011186, OMIM 602083.

Submissions (4):

Labcorp Genetics (formerly Invitae), Labcorp
Classification: Pathogenic. Last evaluated: 2024-11-11. Review status: criteria provided, single submitter. Criteria: Invitae Variant Classification Sherloc (09022015). Collection method: clinical testing. Allele origin: germline.
Comment: This sequence change creates a premature translational stop signal (p.Ser1534Thrfs*2) in the PCDH15 gene. While this is not anticipated to result in nonsense mediated decay, it is expected to disrupt the last 422 amino acid(s) of the PCDH15 protein. This variant is not present in population databases (gnomAD no frequency). This variant has not been reported in the literature in individuals affected with PCDH15-related conditions. ClinVar contains an entry for this variant (Variation ID: 1452598). This variant disrupts a region of the PCDH15 protein in which other variant(s) (p.Q1576*) have been determined to be pathogenic (PMID: 28281779). This suggests that this is a clinically significant region of the protein, and that variants that disrupt it are likely to be disease-causing. For these reasons, this variant has been classified as Pathogenic.

Fulgent Genetics
Classification: Likely pathogenic for Usher syndrome type 1D; Usher syndrome type 1F; Autosomal recessive nonsyndromic hearing loss 23. Last evaluated: 2024-04-18. Review status: criteria provided, single submitter. Criteria: ACMG Guidelines, 2015. Collection method: clinical testing. Allele origin: germline.

Blueprint Genetics
Classification: Uncertain significance. Last evaluated: 2019-07-11. Review status: criteria provided, single submitter. Criteria: ACMG Guidelines, 2015. Collection method: clinical testing. Allele origin: germline.

Kariminejad - Najmabadi Pathology & Genetics Center
Classification: Likely pathogenic for Usher syndrome type 1F. Review status: criteria provided, single submitter. Criteria: ACMG Guidelines, 2015. Collection method: clinical testing. Allele origin: germline. Affected: no.

Literature cited by the submitters: PubMed 28281779 (cited by Labcorp Genetics (formerly Invitae), Labcorp).

NM_033056.4(PCDH15):c.4596_4600dup (p.Ser1534delinsThrTer)

Gene: PCDH15 (protocadherin related 15; minus strand). Cytogenetic location: 10q21.1.
Variant type: Duplication.
Coding change: c.4596_4600dup on transcript NM_033056.4 (MANE Plus Clinical); coding-DNA positions 4596 to 4600, 5 bases duplicated (CATAA; older notation c.4596_4600dupCATAA).
Protein change: p.Ser1534delinsThrTer.
Molecular consequence: nonsense. On other transcripts: intron variant (8).
Genome position (GRCh38, 1-based): chr10:53,823,126-53,823,130, TTATG duplicated on the plus strand (CATAA on the coding strand, the reverse complement: PCDH15 is on the minus strand); duplicating any 5 consecutive bases within chr10:53,823,126-53,823,132 gives the same sequence; the c. name uses the placement nearest the transcript's 3' end. VCF-style (leftmost placement, unchanged base first): chr10-53823125-C-CTTATG. GRCh37 (hg19) VCF-style: chr10-55582885-C-CTTATG.
Other names: c.4596_4600dupCATAA (NM_033056.4); c.4617_4621dup, p.Ser1541delinsThrTer (NM_001142763.2); c.4602_4606dup, p.Ser1536delinsThrTer (NM_001142764.2); c.4389_4393dup, p.Ser1465delinsThrTer (NM_001142765.2); c.4587_4591dup, p.Ser1531delinsThrTer (NM_001142766.2); c.4476_4480dup, p.Ser1494delinsThrTer (NM_001142767.2); c.4536_4540dup, p.Ser1514delinsThrTer (NM_001142768.2); c.4527_4531dup, p.Ser1511delinsThrTer (NM_001142773.2); and 7 more.
Identifiers: ClinVar variation 1452598 (VCV001452598.11), dbSNP rs2132508266, ClinGen allele CA2573145209.